The following is an entry in ClinVar:

NM_001286577.2(C2CD3):c.5728C>G (p.Pro1910Ala)

Genes: C2CD3 (C2 domain containing 3 centriole elongation regulator; minus strand), LOC126861262 (CDK7 strongly-dependent group 2 enhancer GRCh37_chr11:73747696-73748895; plus strand). Cytogenetic location: 11q13.4.
Variant type: single nucleotide variant.
Coding change: c.5728C>G on transcript NM_001286577.2 (MANE Select); coding-DNA position 5728, C replaced by G.
Protein change: p.Pro1910Ala; replaces proline 1910 with alanine.
Molecular consequence: missense variant.
Genome position (GRCh38, 1-based): chr11:74,037,631, G>C on the plus strand (C>G on the coding strand, the complement: C2CD3 is on the minus strand). VCF-style: chr11-74037631-G-C. GRCh37 (hg19) VCF-style: chr11-73748676-G-C.
Other names: c.5728C>G, p.Pro1910Ala (NM_015531.6); c.5728C>G (NM_015531.4); short protein forms P1910A.
Identifiers: ClinVar variation 1366316 (VCV001366316.5), dbSNP rs150116588, ClinGen allele CA6181785.

ClinVar aggregate classification (germline): Conflicting classifications of pathogenicity. Review status: criteria provided, conflicting classifications (1 of 4 stars). 3 submissions from 3 submitters: Uncertain significance (2); Likely benign (1). Last evaluated 2024-09-20.

Conditions:
Orofaciodigital syndrome type 14. Also called: Orofaciodigital syndrome xiv. Identifiers: Orphanet 434179, MedGen C4706604, MONDO:0014413, OMIM 615948.
Inborn genetic diseases. Identifiers: MedGen C0950123, MeSH D030342.

Allele frequency attached by ClinVar (database versions not stated): gnomAD 0.00012 and 0.00014; ExAC 0.00016; TOPMed 0.00018.
gnomAD v4.1: 285 of 1,614,018 alleles (0.018%); highest among the groups gnomAD compares: Middle Eastern, 0.049%; no homozygotes.

Submissions (3):

3billion
Classification: Likely benign for Orofaciodigital syndrome type 14. Last evaluated: 2024-09-20. Review status: criteria provided, single submitter. Criteria: ACMG Guidelines, 2015. Collection method: clinical testing. Allele origin: germline. Affected: no.
Comment: The homozygous variant was found in patients diagnosed with another variant in a different gene, with no symptoms related to the gene containing the homozygous variant.

Ambry Genetics
Classification: Uncertain significance for Inborn genetic diseases. Last evaluated: 2022-11-09. Review status: criteria provided, single submitter. Criteria: Ambry Variant Classification Scheme 2023. Collection method: clinical testing. Allele origin: germline.

Labcorp Genetics (formerly Invitae), Labcorp
Classification: Uncertain significance. Last evaluated: 2022-08-23. Review status: criteria provided, single submitter. Criteria: Invitae Variant Classification Sherloc (09022015). Collection method: clinical testing. Allele origin: germline.
Comment: This sequence change replaces proline, which is neutral and non-polar, with alanine, which is neutral and non-polar, at codon 1910 of the C2CD3 protein (p.Pro1910Ala). This variant is present in population databases (rs150116588, gnomAD 0.05%). This variant has not been reported in the literature in individuals affected with C2CD3-related conditions. ClinVar contains an entry for this variant (Variation ID: 1366316). Algorithms developed to predict the effect of missense changes on protein structure and function are either unavailable or do not agree on the potential impact of this missense change (SIFT: "Deleterious"; PolyPhen-2: "Possibly Damaging"; Align-GVGD: "Class C0"). Algorithms developed to predict the effect of sequence changes on RNA splicing suggest that this variant may disrupt the consensus splice site. In summary, the available evidence is currently insufficient to determine the role of this variant in disease. Therefore, it has been classified as a Variant of Uncertain Significance.